The following is an entry in ClinVar:

ClinVar aggregate classification (germline): Likely pathogenic (1 of 4 stars; one submission).

Submission:

Labcorp Genetics (formerly Invitae), Labcorp
Classification: Likely pathogenic. Last evaluated: 2024-06-08. Review status: criteria provided, single submitter. Criteria: Invitae Variant Classification Sherloc (09022015). Collection method: clinical testing. Allele origin: germline.
Comment: This sequence change replaces isoleucine, which is neutral and non-polar, with asparagine, which is neutral and polar, at codon 67 of the ALOX12B protein (p.Ile67Asn). This variant is not present in population databases (gnomAD no frequency). This missense change has been observed in individual(s) with congenital ichthyosiform erythroderma (Invitae). Advanced modeling of protein sequence and biophysical properties (such as structural, functional, and spatial information, amino acid conservation, physicochemical variation, residue mobility, and thermodynamic stability) performed at Invitae indicates that this missense variant is expected to disrupt ALOX12B protein function with a positive predictive value of 80%. This variant disrupts the p.Ile67 amino acid residue in ALOX12B. Other variant(s) that disrupt this residue have been observed in individuals with ALOX12B-related conditions (PMID: 19890349; Invitae), which suggests that this may be a clinically significant amino acid residue. In summary, the currently available evidence indicates that the variant is pathogenic, but additional data are needed to prove that conclusively. Therefore, this variant has been classified as Likely Pathogenic.

Literature cited by the submitters: PubMed 19890349.

NM_001139.3(ALOX12B):c.200T>A (p.Ile67Asn)

Gene: ALOX12B (arachidonate 12-lipoxygenase, 12R type; minus strand). Cytogenetic location: 17p13.1.
Variant type: single nucleotide variant.
Coding change: c.200T>A on transcript NM_001139.3 (MANE Select); coding-DNA position 200, T replaced by A.
Protein change: p.Ile67Asn; replaces isoleucine 67 with asparagine.
Molecular consequence: missense variant.
Genome position (GRCh38, 1-based): chr17:8,086,168, A>T on the plus strand (T>A on the coding strand, the complement: ALOX12B is on the minus strand). VCF-style: chr17-8086168-A-T. GRCh37 (hg19) VCF-style: chr17-7989486-A-T.
Other names: short protein forms I67N.
Identifiers: ClinVar variation 3655943 (VCV003655943.2).